The following is an entry in ClinVar:

NM_007186.6(CEP250):c.3644G>C (p.Gly1215Ala)

Gene: CEP250 (centrosomal protein 250; plus strand). Cytogenetic location: 20q11.22.
Variant type: single nucleotide variant.
Coding change: c.3644G>C on transcript NM_007186.6 (MANE Select); coding-DNA position 3644, G replaced by C.
Protein change: p.Gly1215Ala; replaces glycine 1215 with alanine.
Molecular consequence: missense variant.
Genome position (GRCh38, 1-based): chr20:35,498,056, G>C. VCF-style: chr20-35498056-G-C. GRCh37 (hg19) VCF-style: chr20-34085885-G-C.
Other names: c.1748G>C, p.Gly583Ala (NM_001318219.1); short protein forms G1215A, G583A.
Identifiers: ClinVar variation 1483283 (VCV001483283.8), dbSNP rs748340283, ClinGen allele CA408744869.
Genomic context (GRCh38, chr20:35,498,056, plus strand): 5'-CTGTTTGTGAGAGCAGGCCTGAGCTGAGTGGTGGGGGAGACTCTGCTCCTTCCGTCTGGG[G>C]CCTTGAGCCAGGTGAGACAGCCTCCCCAGAACTAGGTCCTTTGGGCCAAAGCCAGGCCTG-3'
Protein context (NP_009117.2, residues 1205-1225): GGGDSAPSVW[Gly1215Ala]LEPDQNGARS

ClinVar aggregate classification (germline): Uncertain significance (1 of 4 stars; one submission).

Submission:

Labcorp Genetics (formerly Invitae), Labcorp
Classification: Uncertain significance. Last evaluated: 2022-02-23. Review status: criteria provided, single submitter. Criteria: Invitae Variant Classification Sherloc (09022015). Collection method: clinical testing. Allele origin: germline.
Comment: This sequence change replaces glycine with alanine at codon 1215 of the CEP250 protein (p.Gly1215Ala). The glycine residue is moderately conserved and there is a small physicochemical difference between glycine and alanine. This variant is not present in population databases (gnomAD no frequency). This variant has not been reported in the literature in individuals affected with CEP250-related conditions. Algorithms developed to predict the effect of missense changes on protein structure and function output the following: SIFT: "Not Available"; PolyPhen-2: "Benign"; Align-GVGD: "Not Available". The alanine amino acid residue is found in multiple mammalian species, which suggests that this missense change does not adversely affect protein function. In summary, the available evidence is currently insufficient to determine the role of this variant in disease. Therefore, it has been classified as a Variant of Uncertain Significance.